The following is an entry in ClinVar:

NM_002693.3(POLG):c.2396_2398del (p.Ser799del)

Gene: POLG (DNA polymerase gamma, catalytic subunit; minus strand). Cytogenetic location: 15q26.1.
Variant type: Deletion.
Coding change: c.2396_2398del on transcript NM_002693.3 (MANE Select); coding-DNA positions 2396 to 2398, 3 bases deleted (CTT; older notation c.2396_2398delCTT).
Protein change: p.Ser799del; deletes serine 799.
Molecular consequence: inframe indel (on NM_002693.2).
Genome position (GRCh38, 1-based): chr15:89,322,770-89,322,772, AAG deleted on the plus strand (CTT on the coding strand, the reverse complement: POLG is on the minus strand); deleting any 3 consecutive bases within chr15:89,322,770-89,322,774 gives the same sequence; the c. name uses the placement nearest the transcript's 3' end. VCF-style (leftmost placement, unchanged base first): chr15-89322769-AAAG-A. GRCh37 (hg19) VCF-style: chr15-89866000-AAAG-A.
Other names: c.2396_2398del, p.Ser799del (NM_001126131.2); c.2394_2396delTTC, p.Ser799del (NM_002693.2); short protein forms S799del.
Identifiers: ClinVar variation 3360319 (VCV003360319.1).
Genomic context (GRCh38, chr15:89,322,769, plus strand): 5'-AGGCATCCCAGGACTCCTCCCATGGTGGCCCACCTGATACGTTTATGGGCGTTCCTCCAG[AAAG>A]AAATCATTTTGTTGATTTCCAGAGCACGGGGCCCACTGGCACCTCCTGGGCCAGCCTGCA-3'

ClinVar aggregate classification (germline): Uncertain significance (1 of 4 stars; one submission).

Submission:

GeneDx
Classification: Uncertain significance. Last evaluated: 2023-06-22. Review status: criteria provided, single submitter. Criteria: GeneDx Variant Classification Process June 2021. Collection method: clinical testing. Allele origin: germline. Affected: yes.
Comment: In-frame deletion of 1 amino acids in a non-repeat region; Not observed at significant frequency in large population cohorts (gnomAD); In silico analysis supports a deleterious effect on protein structure/function; Has not been previously published as pathogenic or benign to our knowledge